The following is an entry in ClinVar:

NM_001034853.2(RPGR):c.1753+2T>G

Gene: RPGR (retinitis pigmentosa GTPase regulator; minus strand). Cytogenetic location: Xp11.4.
Variant type: single nucleotide variant.
Coding change: c.1753+2T>G on transcript NM_001034853.2 (MANE Select); the canonical splice donor site of the intron after coding-DNA position 1753, T replaced by G.
Molecular consequence: splice donor variant. On other transcripts: intron variant (5).
Genome position (GRCh38, 1-based): chrX:38,287,859, A>C on the plus strand (T>G on the coding strand, the complement: RPGR is on the minus strand). VCF-style: chrX-38287859-A-C. GRCh37 (hg19) VCF-style: chrX-38147112-A-C.
Other names: c.1569+3100T>G (NM_001367249.1, NM_001367250.1); c.1750+2T>G (NM_001367245.1); c.1386+3100T>G (NM_001367251.1); c.1567+2T>G (NM_001367246.1); c.1572+3100T>G (NM_001367247.1); c.1753+2T>G (NM_000328.3); c.1602+3100T>G (NM_001367248.1).
Identifiers: ClinVar variation 1802237 (VCV001802237.3), dbSNP rs2519797884, ClinGen allele CA412736640.

ClinVar aggregate classification (germline): Likely pathogenic (1 of 4 stars; one submission).

Conditions:
Retinitis pigmentosa 3. Also called: CHOROIDORETINAL DEGENERATION WITH RETINAL REFLEX IN HETEROZYGOUS WOMEN. Identifiers: Orphanet 791, MedGen C1845667, MONDO:0010227, OMIM 300029.
Retinitis pigmentosa, X-linked, and sinorespiratory infections, with or without deafness (RPSRDF). Identifiers: Orphanet 247522, MedGen C2749137, OMIM 300455.
Macular degeneration, X-linked atrophic. Identifiers: Orphanet 1872, MedGen C3151784, MONDO:0010443, OMIM 300834.
X-linked cone-rod dystrophy 1 (CORDX1). Identifiers: Orphanet 1872, MedGen C1844776, MONDO:0010566, OMIM 304020.

Submission:

Diagnostics Services (NGS), CSIR - Centre For Cellular And Molecular Biology
Classification: Likely pathogenic for X-linked cone-rod dystrophy 1; Retinitis pigmentosa 3; Retinitis pigmentosa, X-linked, and sinorespiratory infections, with or without deafness; Macular degeneration, X-linked atrophic. Last evaluated: 2022-09-07. Review status: criteria provided, single submitter. Criteria: ACMG Guidelines, 2015. Collection method: clinical testing. Allele origin: unknown. Affected: yes. Observed: 1 variant allele, 1 hemizygote.
Comment: The c.1753+2T>G variant is not present in publicly available population databases such as 1000 genomes, ExAC, EVS, gnomAD, Indian Exome Database or our in-house exome database. The variant has not been published in literature or reported to clinical databases like ClinVar, Human Genome Mutation Database (HGMD) or OMIM, in affected individuals. In-silico pathogenicity prediction programs like MutationTaster2, CADD, Human Splicing Finder (HSF3.1), Varsome. Franklin etc. predicted that this variant is likely to affect splicing & therefore deleterious, however these predictions were not confirmed by any published functional studies. This variant disrupts the consensus splice-site and algorithms developed to predict the effect of sequence changes on RNA splicing suggest likely deleterious effect.